The following is an entry in ClinVar:

ClinVar aggregate classification (germline): not provided (0 of 4 stars; one submission).

Conditions:
Normal pregnancy. Identifiers: MedGen C0232989.

Submission:

Institute of Molecular and Cell Biology, University of Tartu
No classification provided. Condition: Normal pregnancy. Review status: no classification provided. Collection method: case-control. Allele origin: unknown. Affected: yes. Study: Kasak2014.
Comment: The study aimed to determine the contribution of copy number variants in the genetic etiology of normal and complicated pregnancies. The samples represented (i) maternal blood DNA drawn from healthy pregnant women during 1st or 2nd trimester and (ii) maternal and paternal blood DNA drawn at term pregnancy cases representing normal and complicated gestations (severe preeclampsia, PE; gestational diabetes, GD; small-for-gestational age newborn, SGA; large-for-gestational age newborn, LGA). We performed CNV calling based on genome-wide genotyping dataset (Illumina HumanOmniExpress-24-v1 BeadChip) by applying three algorithms, QuantiSNP, GADA (Genome Alteration Detection Algorithm) and CNstream in parallel. The acquired CNV calls were merged with HD-CNV (Hotspot Detector for Copy Number Variants) program and only the CNVs predicted by at least two programs, were considered in subsequent analysis.

Literature cited by the submitters: PubMed 25666259.

NC_000002.12:g.2860438_2913183dup

Genes: LINC01250 (long intergenic non-protein coding RNA 1250; minus strand), LOC129932985 (ATAC-STARR-seq lymphoblastoid silent region 11106; plus strand), LOC129932986 (ATAC-STARR-seq lymphoblastoid silent region 11107; plus strand). Cytogenetic location: 2p25.3.
Variant type: Duplication.
Identifiers: ClinVar variation 156777 (VCV000156777.2).